The following is an entry in ClinVar:

NM_148919.4(PSMB8):c.662C>T (p.Pro221Leu)

Gene: PSMB8 (proteasome 20S subunit beta 8; minus strand). Cytogenetic location: 6p21.32.
Variant type: single nucleotide variant.
Coding change: c.662C>T on transcript NM_148919.4 (MANE Select); coding-DNA position 662, C replaced by T.
Protein change: p.Pro221Leu; replaces proline 221 with leucine.
Molecular consequence: missense variant.
Genome position (GRCh38, 1-based): chr6:32,841,611, G>A on the plus strand (C>T on the coding strand, the complement: PSMB8 is on the minus strand). VCF-style: chr6-32841611-G-A. GRCh37 (hg19) VCF-style: chr6-32809388-G-A.
Other names: c.650C>T, p.Pro217Leu (NM_004159.5); short protein forms P217L, P221L.
Identifiers: ClinVar variation 961098 (VCV000961098.9), dbSNP rs141273371, ClinGen allele CA3746320.

ClinVar aggregate classification (germline): Conflicting classifications of pathogenicity. Review status: criteria provided, conflicting classifications (1 of 4 stars). 4 submissions from 4 submitters: Uncertain significance (3); Likely benign (1). Last evaluated 2024-11-05.

Conditions:
Inborn genetic diseases. Identifiers: MedGen C0950123, MeSH D030342.
Proteosome-associated autoinflammatory syndrome. Also called: Proteasome-associated autoinflammatory syndrome. Identifiers: Orphanet 324977, MedGen C1850568, MONDO:0009726.
Proteasome-associated autoinflammatory syndrome 1 (PRAAS1). Also called: Nakajo syndrome; JOINT CONTRACTURES, MUSCULAR ATROPHY, MICROCYTIC ANEMIA, AND PANNICULITIS-INDUCED LIPODYSTROPHY; JMP SYNDROME; AUTOINFLAMMATION, LIPODYSTROPHY, AND DERMATOSIS SYNDROME; NAKAJO-NISHIMURA SYNDROME; CHRONIC ATYPICAL NEUTROPHILIC DERMATOSIS WITH LIPODYSTROPHY AND ELEVATED TEMPERATURE SYNDROME. Identifiers: Orphanet 2615, Orphanet 324977, Orphanet 324999, Orphanet 325004, MedGen C4746851, MONDO:0054698, OMIM 256040.

Allele frequency attached by ClinVar (database versions not stated): gnomAD exomes 0.00001 and 0.00002; ExAC 0.00003; ESP Exome Variant Server 0.00012; gnomAD 0.00013 and 0.00015; TOPMed 0.00014.
gnomAD v4.1: 30 of 1,613,048 alleles (0.0019%); highest among the groups gnomAD compares: African/African-American, 0.036%; no homozygotes.

Submissions (4):

Labcorp Genetics (formerly Invitae), Labcorp
Classification: Uncertain significance for Proteosome-associated autoinflammatory syndrome. Last evaluated: 2024-11-05. Review status: criteria provided, single submitter. Criteria: Invitae Variant Classification Sherloc (09022015). Collection method: clinical testing. Allele origin: germline.
Comment: This sequence change replaces proline, which is neutral and non-polar, with leucine, which is neutral and non-polar, at codon 221 of the PSMB8 protein (p.Pro221Leu). This variant is present in population databases (rs141273371, gnomAD 0.04%). This variant has not been reported in the literature in individuals affected with PSMB8-related conditions. ClinVar contains an entry for this variant (Variation ID: 961098). Invitae Evidence Modeling of protein sequence and biophysical properties (such as structural, functional, and spatial information, amino acid conservation, physicochemical variation, residue mobility, and thermodynamic stability) indicates that this missense variant is not expected to disrupt PSMB8 protein function with a negative predictive value of 80%. In summary, the available evidence is currently insufficient to determine the role of this variant in disease. Therefore, it has been classified as a Variant of Uncertain Significance.

GeneDx
Classification: Uncertain significance. Last evaluated: 2024-09-18. Review status: criteria provided, single submitter. Criteria: GeneDx Variant Classification Process June 2021. Collection method: clinical testing. Allele origin: germline. Affected: yes.
Comment: In silico analysis indicates that this missense variant does not alter protein structure/function; Has not been previously published as pathogenic or benign to our knowledge

Ambry Genetics
Classification: Likely benign for Inborn genetic diseases. Last evaluated: 2022-02-02. Review status: criteria provided, single submitter. Criteria: Ambry Variant Classification Scheme 2023. Collection method: clinical testing. Allele origin: germline.

Baylor Genetics
Classification: Uncertain significance for Proteasome-associated autoinflammatory syndrome 1. Last evaluated: 2018-11-17. Review status: criteria provided, single submitter. Criteria: ACMG Guidelines, 2015. Collection method: clinical testing. Allele origin: paternal. Affected: yes.
Comment: This variant was determined to be of uncertain significance according to ACMG Guidelines, 2015 [PMID:25741868].